The following is an entry in ClinVar:

NM_001371986.1(UNC80):c.3258G>T (p.Trp1086Cys)

Gene: UNC80 (unc-80 subunit of NALCN channel complex; plus strand). Cytogenetic location: 2q34.
Variant type: single nucleotide variant.
Coding change: c.3258G>T on transcript NM_001371986.1 (MANE Select); coding-DNA position 3258, G replaced by T.
Protein change: p.Trp1086Cys; replaces tryptophan 1086 with cysteine.
Molecular consequence: missense variant.
Genome position (GRCh38, 1-based): chr2:209,840,549, G>T. VCF-style: chr2-209840549-G-T. GRCh37 (hg19) VCF-style: chr2-210705273-G-T.
Other names: c.3264G>T, p.Trp1088Cys (NM_032504.2); c.3249G>T, p.Trp1083Cys (NM_182587.4); short protein forms W1083C, W1088C, W1086C.
Identifiers: ClinVar variation 2127717 (VCV002127717.4), dbSNP rs2471005269, ClinGen allele CA350730602.

ClinVar aggregate classification (germline): Uncertain significance (1 of 4 stars; one submission).

Submission:

Labcorp Genetics (formerly Invitae), Labcorp
Classification: Uncertain significance. Last evaluated: 2023-11-27. Review status: criteria provided, single submitter. Criteria: Invitae Variant Classification Sherloc (09022015). Collection method: clinical testing. Allele origin: germline.
Comment: This sequence change replaces tryptophan, which is neutral and slightly polar, with cysteine, which is neutral and slightly polar, at codon 1088 of the UNC80 protein (p.Trp1088Cys). This variant is not present in population databases (gnomAD no frequency). This variant has not been reported in the literature in individuals affected with UNC80-related conditions. ClinVar contains an entry for this variant (Variation ID: 2127717). An algorithm developed to predict the effect of missense changes on protein structure and function (PolyPhen-2) suggests that this variant is likely to be disruptive. In summary, the available evidence is currently insufficient to determine the role of this variant in disease. Therefore, it has been classified as a Variant of Uncertain Significance.